The following is an entry in ClinVar:

NM_003482.4(KMT2D):c.3655A>G (p.Ser1219Gly)

Genes: KMT2D (lysine methyltransferase 2D; minus strand), LOC126861520 (CDK7 strongly-dependent group 2 enhancer GRCh37_chr12:49442744-49443943; plus strand). Cytogenetic location: 12q13.12.
Variant type: single nucleotide variant.
Coding change: c.3655A>G on transcript NM_003482.4 (MANE Select); coding-DNA position 3655, A replaced by G.
Protein change: p.Ser1219Gly; replaces serine 1219 with glycine.
Molecular consequence: missense variant.
Genome position (GRCh38, 1-based): chr12:49,049,933, T>C on the plus strand (A>G on the coding strand, the complement: KMT2D is on the minus strand). VCF-style: chr12-49049933-T-C. GRCh37 (hg19) VCF-style: chr12-49443716-T-C.
Other names: short protein forms S1219G.
Identifiers: ClinVar variation 2973750 (VCV002973750.3), dbSNP rs2498443320, ClinGen allele CA384656072.

ClinVar aggregate classification (germline): Uncertain significance (1 of 4 stars; one submission).

Conditions:
Kabuki syndrome. Also called: Kabuki make-up syndrome; NIIKAWA-KUROKI SYNDROME. Identifiers: Orphanet 2322, MedGen C0796004, MONDO:0016512.

Allele frequency attached by ClinVar (database versions not stated): gnomAD exomes below 0.00001.
gnomAD v4.1: 1 of 1,613,926 alleles (0.000062%); highest among the groups gnomAD compares: Non-Finnish European, 0.000085%; no homozygotes.

Submission:

Labcorp Genetics (formerly Invitae), Labcorp
Classification: Uncertain significance for Kabuki syndrome. Last evaluated: 2023-10-03. Review status: criteria provided, single submitter. Criteria: Invitae Variant Classification Sherloc (09022015). Collection method: clinical testing. Allele origin: germline.
Comment: This sequence change replaces serine, which is neutral and polar, with glycine, which is neutral and non-polar, at codon 1219 of the KMT2D protein (p.Ser1219Gly). This variant is not present in population databases (gnomAD no frequency). This variant has not been reported in the literature in individuals affected with KMT2D-related conditions. Advanced modeling of protein sequence and biophysical properties (such as structural, functional, and spatial information, amino acid conservation, physicochemical variation, residue mobility, and thermodynamic stability) performed at Invitae indicates that this missense variant is not expected to disrupt KMT2D protein function. In summary, the available evidence is currently insufficient to determine the role of this variant in disease. Therefore, it has been classified as a Variant of Uncertain Significance.